The following is an entry in ClinVar:

NM_001291415.2(KDM6A):c.605T>C (p.Leu202Ser)

Gene: KDM6A (lysine demethylase 6A; plus strand). Cytogenetic location: Xp11.3.
Variant type: single nucleotide variant.
Coding change: c.605T>C on transcript NM_001291415.2 (MANE Select); coding-DNA position 605, T replaced by C.
Protein change: p.Leu202Ser; replaces leucine 202 with serine.
Molecular consequence: missense variant. On other transcripts: 5 prime UTR variant (1), non-coding transcript variant (1).
Genome position (GRCh38, 1-based): chrX:45,034,971, T>C. VCF-style: chrX-45034971-T-C. GRCh37 (hg19) VCF-style: chrX-44894216-T-C.
Other names: c.605T>C (NM_021140.3, NM_021140.2); c.605T>C, p.Leu202Ser (NM_001291416.2, NM_001291417.2, NM_001291418.2 and 2 more transcripts); c.-149T>C (NM_001291421.2); short protein forms L202S.
Identifiers: ClinVar variation 2188439 (VCV002188439.6), dbSNP rs2522215389, ClinGen allele CA412773407.

ClinVar aggregate classification (germline): Uncertain significance. Review status: criteria provided, multiple submitters, no conflicts (2 of 4 stars). 3 submissions from 3 submitters: Uncertain significance (2). 1 of the submissions does not count toward it. Last evaluated 2025-06-07.

Conditions:
KDM6A-related disorder. Also called: KDM6A-related condition.
Inborn genetic diseases. Identifiers: MedGen C0950123, MeSH D030342.
Kabuki syndrome 2 (KABUK2). Also called: KDM6A-Related Kabuki Syndrome. Identifiers: Orphanet 2322, MedGen C3275495, MONDO:0010465, OMIM 300867.

Allele frequency attached by ClinVar (database versions not stated): gnomAD exomes below 0.00001.
gnomAD v4.1: 3 of 1,196,849 alleles (0.00025%); highest among the groups gnomAD compares: Non-Finnish European, 0.00034%; no homozygotes.

Submissions (3):

Ambry Genetics
Classification: Uncertain significance for Inborn genetic diseases. Last evaluated: 2025-06-07. Review status: criteria provided, single submitter. Criteria: Ambry Variant Classification Scheme 2023. Collection method: clinical testing. Allele origin: germline.

Labcorp Genetics (formerly Invitae), Labcorp
Classification: Uncertain significance for Kabuki syndrome 2. Last evaluated: 2025-03-11. Review status: criteria provided, single submitter. Criteria: Invitae Variant Classification Sherloc (09022015). Collection method: clinical testing. Allele origin: germline.
Comment: This sequence change replaces leucine, which is neutral and non-polar, with serine, which is neutral and polar, at codon 202 of the KDM6A protein (p.Leu202Ser). This variant is not present in population databases (gnomAD no frequency). This variant has not been reported in the literature in individuals affected with KDM6A-related conditions. ClinVar contains an entry for this variant (Variation ID: 2188439). Invitae Evidence Modeling of protein sequence and biophysical properties (such as structural, functional, and spatial information, amino acid conservation, physicochemical variation, residue mobility, and thermodynamic stability) indicates that this missense variant is expected to disrupt KDM6A protein function with a positive predictive value of 80%. In summary, the available evidence is currently insufficient to determine the role of this variant in disease. Therefore, it has been classified as a Variant of Uncertain Significance.

PreventionGenetics, part of Exact Sciences
Classification: Uncertain significance for KDM6A-related condition. Last evaluated: 2024-09-23. Review status: no assertion criteria provided. Collection method: clinical testing. Allele origin: germline. Not counted in ClinVar's aggregate classification.
Comment: The KDM6A c.605T>C variant is predicted to result in the amino acid substitution p.Leu202Ser. To our knowledge, this variant has not been reported in the literature or in a large population database, indicating this variant is rare. At this time, the clinical significance of this variant is uncertain due to the absence of conclusive functional and genetic evidence.